The following is an entry in ClinVar:

ClinVar aggregate classification (germline): Likely benign (1 of 4 stars; one submission).

Conditions:
Dicarboxylic aminoaciduria (DCBXA). Also called: GLUTAMATE-ASPARTATE TRANSPORT DEFECT. Identifiers: Orphanet 2195, MedGen C1857253, MONDO:0009110, OMIM 222730.

Allele frequency attached by ClinVar (database versions not stated): gnomAD exomes 0.00012; 1000 Genomes Project 30x 0.00187; gnomAD 0.00199 and 0.00213; 1000 Genomes Project 0.00200; TOPMed 0.00247.
gnomAD v4.1: 302 of 187,244 alleles (0.16%); highest among the groups gnomAD compares: African/African-American, 0.68%; 1 homozygote.

Submission:

Illumina Laboratory Services, Illumina
Classification: Likely benign for Dicarboxylic aminoaciduria. Last evaluated: 2018-01-13. Review status: criteria provided, single submitter. Criteria: ICSL Variant Classification Criteria 13 December 2019. Collection method: clinical testing. Allele origin: germline.
Comment: This variant was observed in the ICSL laboratory as part of a predisposition screen in an ostensibly healthy population. It had not been previously curated by ICSL or reported in the Human Gene Mutation Database (HGMD: prior to June 1st, 2018), and was therefore a candidate for classification through an automated scoring system. Utilizing variant allele frequency, disease prevalence and penetrance estimates, and inheritance mode, an automated score was calculated to assess if this variant is too frequent to cause the disease. Based on the score and internal cut-off values, a variant classified as likely benign is not then subjected to further curation. The score for this variant resulted in a classification of likely benign for this disease.

NM_004170.6(SLC1A1):c.*526C>T

Gene: SLC1A1 (solute carrier family 1 member 1; plus strand). Cytogenetic location: 9p24.2.
Variant type: single nucleotide variant.
Coding change: c.*526C>T on transcript NM_004170.6 (MANE Select); 526 bases downstream of the stop codon, C replaced by T.
Molecular consequence: 3 prime UTR variant.
Genome position (GRCh38, 1-based): chr9:4,586,084, C>T. VCF-style: chr9-4586084-C-T. GRCh37 (hg19) VCF-style: chr9-4586084-C-T.
Identifiers: ClinVar variation 913933 (VCV000913933.4), dbSNP rs145060691, ClinGen allele CA188359324.
Genomic context (GRCh38, chr9:4,586,084, plus strand): 5'-CCCCAGTTAATGTGCCAAAATGTCAATTTTTAACTTATCTCCAGCCAATTTCAAAGAAAA[C>T]AGACCAGCATAGTTCTGCAATAACAGTTTTAAGATGGGCATAGGGTTTGGAAGAAAGGGA-3'